The following is an entry in ClinVar:

NM_015311.3(OBSL1):c.2920G>A (p.Asp974Asn)

Gene: OBSL1 (obscurin like cytoskeletal adaptor 1; minus strand). Cytogenetic location: 2q35.
Variant type: single nucleotide variant.
Coding change: c.2920G>A on transcript NM_015311.3 (MANE Select); coding-DNA position 2920, G replaced by A.
Protein change: p.Asp974Asn; replaces aspartic acid 974 with asparagine.
Molecular consequence: missense variant.
Genome position (GRCh38, 1-based): chr2:219,562,435, C>T on the plus strand (G>A on the coding strand, the complement: OBSL1 is on the minus strand). VCF-style: chr2-219562435-C-T. GRCh37 (hg19) VCF-style: chr2-220427157-C-T.
Other names: c.2920G>A (NM_015311.2); c.2920G>A, p.Asp974Asn (NM_001173408.2, NM_001173431.2); short protein forms D974N.
Identifiers: ClinVar variation 3014765 (VCV003014765.5), dbSNP rs369804300, ClinGen allele CA2131058.
Genomic context (GRCh38, chr2:219,562,435, plus strand): 5'-CCCCGGGGAGCTGGGCTGGGCCCACACCTGTGACGGTGACAGTGAAGGAGGCCGACTCAT[C>T]GTCAATTTCACACAAGTACTCGCCGGAGTCCTCGAGCTGGACAGCGGGCAGCACCAGGCG-3'
Protein context (NP_056126.1, residues 964-984): DSGEYLCEID[Asp974Asn]ESASFTVTVT

ClinVar aggregate classification (germline): Uncertain significance. Review status: criteria provided, multiple submitters, no conflicts (2 of 4 stars). 3 submissions from 3 submitters: Uncertain significance (3). Last evaluated 2025-04-28.

Conditions:
Inborn genetic diseases. Identifiers: MedGen C0950123, MeSH D030342.

Allele frequency attached by ClinVar (database versions not stated): gnomAD 0.00013; ESP Exome Variant Server 0.00008; TOPMed 0.00010; ExAC 0.00003.
gnomAD v4.1: 49 of 1,613,942 alleles (0.003%); highest among the groups gnomAD compares: African/African-American, 0.051%; no homozygotes.

Submissions (3):

Labcorp Genetics (formerly Invitae), Labcorp
Classification: Uncertain significance. Last evaluated: 2025-04-28. Review status: criteria provided, single submitter. Criteria: Invitae Variant Classification Sherloc (09022015). Collection method: clinical testing. Allele origin: germline.
Comment: This sequence change replaces aspartic acid, which is acidic and polar, with asparagine, which is neutral and polar, at codon 974 of the OBSL1 protein (p.Asp974Asn). This variant is present in population databases (rs369804300, gnomAD 0.05%). This variant has not been reported in the literature in individuals affected with OBSL1-related conditions. ClinVar contains an entry for this variant (Variation ID: 3014765). An algorithm developed to predict the effect of missense changes on protein structure and function outputs the following: PolyPhen-2: "Benign". The asparagine amino acid residue is found in multiple mammalian species, which suggests that this missense change does not adversely affect protein function. In summary, the available evidence is currently insufficient to determine the role of this variant in disease. Therefore, it has been classified as a Variant of Uncertain Significance.

Ambry Genetics
Classification: Uncertain significance for Inborn genetic diseases. Last evaluated: 2024-10-04. Review status: criteria provided, single submitter. Criteria: Ambry Variant Classification Scheme 2023. Collection method: clinical testing. Allele origin: germline.

Women's Health and Genetics/Laboratory Corporation of America, LabCorp
Classification: Uncertain significance. Last evaluated: 2024-01-05. Review status: criteria provided, single submitter. Criteria: LabCorp Variant Classification Summary - May 2015. Collection method: clinical testing. Allele origin: germline.
Comment: Variant summary: OBSL1 c.2920G>A (p.Asp974Asn) results in a conservative amino acid change located in the Immunoglobulin subtype 2 domain (IPR003598) of the encoded protein sequence. Three of five in-silico tools predict a damaging effect of the variant on protein function. The variant allele was found at a frequency of 3.6e-05 in 247686 control chromosomes. The available data on variant occurrences in the general population are insufficient to allow any conclusion about variant significance. To our knowledge, no occurrence of c.2920G>A in individuals affected with Three M Syndrome 2 and no experimental evidence demonstrating its impact on protein function have been reported. No submitters have cited clinical-significance assessments for this variant to ClinVar. Based on the evidence outlined above, the variant was classified as uncertain significance.